The following is an entry in ClinVar:

NM_006059.4(LAMC3):c.1392G>A (p.Pro464=)

Gene: LAMC3 (laminin subunit gamma 3; plus strand). Cytogenetic location: 9q34.12.
Variant type: single nucleotide variant.
Coding change: c.1392G>A on transcript NM_006059.4 (MANE Select); coding-DNA position 1392, G replaced by A.
Protein change: p.Pro464=; no amino-acid change (proline 464 retained).
Molecular consequence: synonymous variant.
Genome position (GRCh38, 1-based): chr9:131,045,533, G>A. VCF-style: chr9-131045533-G-A. GRCh37 (hg19) VCF-style: chr9-133920920-G-A.
Identifiers: ClinVar variation 1200526 (VCV001200526.13), dbSNP rs776814662, ClinGen allele CA5287079.

ClinVar aggregate classification (germline): Likely benign. Review status: criteria provided, multiple submitters, no conflicts (2 of 4 stars). 3 submissions from 3 submitters: Likely benign (2). 1 of the submissions does not count toward it. Last evaluated 2025-10-01.

Conditions:
LAMC3-related disorder. Also called: LAMC3-related condition.

Submissions (3):

Labcorp Genetics (formerly Invitae), Labcorp
Classification: Likely benign. Last evaluated: 2025-10-01. Review status: criteria provided, single submitter. Criteria: Invitae Variant Classification Sherloc (09022015). Collection method: clinical testing. Allele origin: germline.

GeneDx
Classification: Likely benign. Last evaluated: 2019-04-01. Review status: criteria provided, single submitter. Criteria: GeneDx Variant Classification Process June 2021. Collection method: clinical testing. Allele origin: germline. Affected: yes.

PreventionGenetics, part of Exact Sciences
Classification: Likely benign for LAMC3-related condition. Last evaluated: 2019-03-07. Review status: no assertion criteria provided. Collection method: clinical testing. Allele origin: germline. Not counted in ClinVar's aggregate classification.
Comment: This variant is classified as likely benign based on ACMG/AMP sequence variant interpretation guidelines (Richards et al. 2015 PMID: 25741868, with internal and published modifications).